The following is an entry in ClinVar:

ClinVar aggregate classification (germline): Likely benign (1 of 4 stars; one submission).

Allele frequency attached by ClinVar (database versions not stated): 1000 Genomes Project 0.00040; 1000 Genomes Project 30x 0.00156; gnomAD exomes 0.00309.
gnomAD v4.1: 586 of 152,704 alleles (0.38%); highest among the groups gnomAD compares: Middle Eastern, 0.67%; 1 homozygote.

Submission:

GeneDx
Classification: Likely benign. Last evaluated: 2021-12-11. Review status: criteria provided, single submitter. Criteria: GeneDx Variant Classification Process June 2021. Collection method: clinical testing. Allele origin: germline. Affected: yes.
Comment: See Variant Classification Assertion Criteria.

NM_000124.4(ERCC6):c.-15+37G>T

Genes: ERCC6 (ERCC excision repair 6, chromatin remodeling factor; minus strand), LOC130003806 (ATAC-STARR-seq lymphoblastoid silent region 2363; plus strand). Cytogenetic location: 10q11.23.
Variant type: single nucleotide variant.
Coding change: c.-15+37G>T on transcript NM_000124.4 (MANE Select); 37 bases into the intron after 15 bases upstream of the start codon, G replaced by T.
Molecular consequence: intron variant.
Genome position (GRCh38, 1-based): chr10:49,538,925, C>A on the plus strand (G>T on the coding strand, the complement: ERCC6 is on the minus strand). VCF-style: chr10-49538925-C-A. GRCh37 (hg19) VCF-style: chr10-50746971-C-A.
Other names: c.-11+37G>T (NM_001346440.2); c.-15+507G>T (NM_001277059.2); c.-15+37G>T (NM_001277058.2).
Identifiers: ClinVar variation 1691585 (VCV001691585.3), dbSNP rs41547818, ClinGen allele CA206591959.